The following is an entry in ClinVar:

ClinVar aggregate classification (germline): Uncertain significance (1 of 4 stars; one submission).

Allele frequency attached by ClinVar (database versions not stated): ExAC 0.00001; gnomAD 0.00001; gnomAD exomes 0.00001; TOPMed 0.00001.
gnomAD v4.1: 4 of 1,613,254 alleles (0.00025%); highest among the groups gnomAD compares: East Asian, 0.0045%; no homozygotes.

Submission:

Labcorp Genetics (formerly Invitae), Labcorp
Classification: Uncertain significance. Last evaluated: 2022-04-25. Review status: criteria provided, single submitter. Criteria: Invitae Variant Classification Sherloc (09022015). Collection method: clinical testing. Allele origin: germline.
Comment: Algorithms developed to predict the effect of missense changes on protein structure and function output the following: SIFT: "Tolerated"; PolyPhen-2: "Benign"; Align-GVGD: "Class C0". The lysine amino acid residue is found in multiple mammalian species, which suggests that this missense change does not adversely affect protein function. This variant has not been reported in the literature in individuals affected with CUL7-related conditions. This variant is present in population databases (rs756376326, gnomAD 0.006%). This sequence change replaces glutamic acid, which is acidic and polar, with lysine, which is basic and polar, at codon 283 of the CUL7 protein (p.Glu283Lys). In summary, the available evidence is currently insufficient to determine the role of this variant in disease. Therefore, it has been classified as a Variant of Uncertain Significance.

NM_014780.5(CUL7):c.847G>A (p.Glu283Lys)

Gene: CUL7 (cullin 7; minus strand). Cytogenetic location: 6p21.1.
Variant type: single nucleotide variant.
Coding change: c.847G>A on transcript NM_014780.5 (MANE Select); coding-DNA position 847, G replaced by A.
Protein change: p.Glu283Lys; replaces glutamic acid 283 with lysine.
Molecular consequence: missense variant.
Genome position (GRCh38, 1-based): chr6:43,051,354, C>T on the plus strand (G>A on the coding strand, the complement: CUL7 is on the minus strand). VCF-style: chr6-43051354-C-T. GRCh37 (hg19) VCF-style: chr6-43019092-C-T.
Other names: c.943G>A, p.Glu315Lys (NM_001168370.2, NM_001374872.1); c.847G>A, p.Glu283Lys (NM_001374873.1, NM_001374874.1); short protein forms E283K, E315K.
Identifiers: ClinVar variation 2086541 (VCV002086541.3), dbSNP rs756376326, ClinGen allele CA3814287.